The following is an entry in ClinVar:

NM_001723.7(DST):c.5973C>A (p.Asn1991Lys)

Gene: DST (dystonin; minus strand). Cytogenetic location: 6p12.1.
Variant type: single nucleotide variant.
Coding change: c.5973C>A on transcript NM_001723.7 (MANE Plus Clinical); coding-DNA position 5973, C replaced by A.
Protein change: p.Asn1991Lys; replaces asparagine 1991 with lysine.
Molecular consequence: missense variant. On other transcripts: intron variant (10).
Genome position (GRCh38, 1-based): chr6:56,618,061, G>T on the plus strand (C>A on the coding strand, the complement: DST is on the minus strand). VCF-style: chr6-56618061-G-T. GRCh37 (hg19) VCF-style: chr6-56482859-G-T.
Other names: c.4831-3577C>A (NM_001144769.5); c.4930-3577C>A (NM_001374722.1, NM_001374736.1); c.4957-3577C>A (NM_001374734.1); c.4417-3577C>A (NM_001144770.2); c.4297-3577C>A (NM_001374730.1, NM_001386100.1, NM_183380.4 and 1 more transcripts); c.3319-3577C>A (NM_015548.5); short protein forms N1991K.
Identifiers: ClinVar variation 638844 (VCV000638844.9), dbSNP rs1586783710, ClinGen allele CA364566172.
Genomic context (GRCh38, chr6:56,618,061, plus strand): 5'-AACCTTCACCAGTTCCATTTCACATGCGTTATCTTGATACCTAACAGGTGGTCTAGAATT[G>T]TTCAGGGCTTGGTCTCTTATCTTCTCAATTTCAGACAGTCTTGTAATGGGGTTTGTCTCA-3'
Protein context (NP_001714.1, residues 1981-2001): EIEKIRDQAL[Asn1991Lys]NSRPPVRYQD

ClinVar aggregate classification (germline): Uncertain significance (1 of 4 stars; one submission).

Conditions:
Epidermolysis bullosa simplex 3, localized or generalized intermediate, with BP230 deficiency (EBS3). Also called: Epidermolysis bullosa simplex due to BP230 deficiency; Epidermolysis bullosa simplex, autosomal recessive 2. Identifiers: Orphanet 412181, MedGen C3809470, MONDO:0014180, OMIM 615425.
Hereditary sensory and autonomic neuropathy type 6. Also called: Neuropathy, hereditary sensory and autonomic, type VI; HSAN VI. Identifiers: Orphanet 314381, MedGen C3539003, MONDO:0013839, OMIM 614653.

gnomAD v4.1: 1 of 1,614,130 alleles (0.000062%); no homozygotes.

Submission:

Labcorp Genetics (formerly Invitae), Labcorp
Classification: Uncertain significance for Epidermolysis bullosa simplex 3, localized or generalized intermediate, with BP230 deficiency; Hereditary sensory and autonomic neuropathy type 6. Last evaluated: 2018-08-12. Review status: criteria provided, single submitter. Criteria: Invitae Variant Classification Sherloc (09022015). Collection method: clinical testing. Allele origin: germline.
Comment: This sequence change replaces asparagine with lysine at codon 1991 of the DST protein (p.Asn1991Lys). The asparagine residue is weakly conserved and there is a moderate physicochemical difference between asparagine and lysine. This variant is not present in population databases (ExAC no frequency). This variant has not been reported in the literature in individuals with DST-related disease. Algorithms developed to predict the effect of missense changes on protein structure and function (SIFT, PolyPhen-2, Align-GVGD) all suggest that this variant is likely to be tolerated, but these predictions have not been confirmed by published functional studies and their clinical significance is uncertain. In summary, the available evidence is currently insufficient to determine the role of this variant in disease. Therefore, it has been classified as a Variant of Uncertain Significance.